The following is an entry in ClinVar:

ClinVar aggregate classification (germline): Uncertain significance (1 of 4 stars; one submission).

Conditions:
Severe combined immunodeficiency due to DNA-PKcs deficiency. Also called: IMMUNODEFICIENCY 26 WITH NEUROLOGIC ABNORMALITIES; Immunodeficiency 26 with or without neurologic abnormalities. Identifiers: Orphanet 317425, MedGen C4014833, MONDO:0014423, OMIM 615966.

Allele frequency attached by ClinVar (database versions not stated): gnomAD 0.00001; gnomAD exomes 0.00001.
gnomAD v4.1: 20 of 1,539,990 alleles (0.0013%); highest among the groups gnomAD compares: Non-Finnish European, 0.0013%; no homozygotes.

Submission:

Labcorp Genetics (formerly Invitae), Labcorp
Classification: Uncertain significance for Severe combined immunodeficiency due to DNA-PKcs deficiency. Last evaluated: 2020-10-10. Review status: criteria provided, single submitter. Criteria: Invitae Variant Classification Sherloc (09022015). Collection method: clinical testing. Allele origin: germline.
Comment: In summary, the available evidence is currently insufficient to determine the role of this variant in disease. Therefore, it has been classified as a Variant of Uncertain Significance. Experimental studies and prediction algorithms are not available or were not evaluated, and the functional significance of this variant is currently unknown. This variant has not been reported in the literature in individuals with PRKDC-related conditions. This variant is not present in population databases (ExAC no frequency). This sequence change replaces isoleucine with serine at codon 2480 of the PRKDC protein (p.Ile2480Ser). The isoleucine residue is highly conserved and there is a large physicochemical difference between isoleucine and serine.

NM_006904.7(PRKDC):c.7439T>G (p.Ile2480Ser)

Gene: PRKDC (protein kinase, DNA-activated, catalytic subunit; minus strand). Cytogenetic location: 8q11.21.
Variant type: single nucleotide variant.
Coding change: c.7439T>G on transcript NM_006904.7 (MANE Select); coding-DNA position 7439, T replaced by G.
Protein change: p.Ile2480Ser; replaces isoleucine 2480 with serine.
Molecular consequence: missense variant.
Genome position (GRCh38, 1-based): chr8:47,840,031, A>C on the plus strand (T>G on the coding strand, the complement: PRKDC is on the minus strand). VCF-style: chr8-47840031-A-C. GRCh37 (hg19) VCF-style: chr8-48752592-A-C.
Other names: c.7439T>G, p.Ile2480Ser (NM_001081640.2); short protein forms I2480S.
Identifiers: ClinVar variation 1060380 (VCV001060380.7), dbSNP rs909325532, ClinGen allele CA176157085.